The following is an entry in ClinVar:

NM_002025.4(AFF2):c.1871G>A (p.Arg624Lys)

Gene: AFF2 (ALF transcription elongation factor 2; plus strand). Cytogenetic location: Xq28.
Variant type: single nucleotide variant.
Coding change: c.1871G>A on transcript NM_002025.4 (MANE Select); coding-DNA position 1871, G replaced by A.
Protein change: p.Arg624Lys; replaces arginine 624 with lysine.
Molecular consequence: missense variant.
Genome position (GRCh38, 1-based): chrX:148,955,916, G>A. VCF-style: chrX-148955916-G-A. GRCh37 (hg19) VCF-style: chrX-148037446-G-A.
Other names: c.1772G>A, p.Arg591Lys (NM_001169122.2); c.1841G>A, p.Arg614Lys (NM_001169123.2); c.1766G>A, p.Arg589Lys (NM_001169124.2); c.1754G>A, p.Arg585Lys (NM_001169125.2); c.794G>A, p.Arg265Lys (NM_001170628.1); short protein forms R265K, R585K, R589K, R591K, R614K, R624K.
Identifiers: ClinVar variation 2661606 (VCV002661606.24), dbSNP rs2521892196, ClinGen allele CA414513720.
Genomic context (GRCh38, chrX:148,955,916, plus strand): 5'-TTCCAGAAACAAAGGCTTTGAAGCATAAGTTGTCAACAACTAGTGAGACAGTGTCTCAAA[G>A]GACAATTGGGAAAAAACAGCCCAAAAAAGTTGAGAAGAACACCAGCACTGACGAGTTTAC-3'
Protein context (NP_002016.2, residues 614-634): LSTTSETVSQ[Arg624Lys]TIGKKQPKKV

ClinVar aggregate classification (germline): Uncertain significance (1 of 4 stars; one submission).

Submission:

CeGaT Center for Human Genetics Tuebingen
Classification: Uncertain significance. Last evaluated: 2023-10-01. Review status: criteria provided, single submitter. Criteria: CeGaT Center For Human Genetics Tuebingen Variant Classification Criteria Version 2. Collection method: clinical testing. Allele origin: germline. Affected: yes. Observed: 1 variant allele.
Comment: AFF2: PM2, BP4